The following is an entry in ClinVar:

ClinVar aggregate classification (germline): Benign. Review status: criteria provided, multiple submitters, no conflicts (2 of 4 stars). 18 submissions from 15 submitters: Benign (13). 5 of the submissions do not count toward it. Last evaluated 2026-02-03.

Conditions:
Dilated cardiomyopathy 1G (CMD1G). Identifiers: Orphanet 154, MedGen C1858763, MONDO:0011400, OMIM 604145.
Autosomal recessive limb-girdle muscular dystrophy type 2J (LGMDR10). Also called: MUSCULAR DYSTROPHY, LIMB-GIRDLE, AUTOSOMAL RECESSIVE 10; Limb-girdle muscular dystrophy, type 2J. Identifiers: Orphanet 140922, MedGen C1837342, MONDO:0012127, OMIM 608807.
TTN-related disorder. Also called: TTN-related disorders; TTN-related condition; TTN-related disease.
Cardiovascular phenotype. Identifiers: MedGen CN230736.
Cardiomyopathy (CMYO). Also called: Cardiomyopathies. Identifiers: Orphanet 167848, MedGen C0878544, MONDO:0004994, HP:0001638. Inheritance: Various modes of inheritance.
Early-onset myopathy with fatal cardiomyopathy (CMYO5). Also called: CONGENITAL MYOPATHY 5 WITH CARDIOMYOPATHY; Salih Myopathy. Identifiers: Orphanet 289377, MedGen C2673677, MONDO:0012714, OMIM 611705. Disease mechanism: loss of function.
Myopathy, myofibrillar, 9, with early respiratory failure (MFM9). Also called: Myopathy, distal, with early respiratory failure, autosomal dominant; Hereditary myopathy with early respiratory failure; MYOPATHY, PROXIMAL, WITH EARLY RESPIRATORY MUSCLE INVOLVEMENT; EDSTROM MYOPATHY. Identifiers: Orphanet 178464, Orphanet 34521, MedGen C1863599, MONDO:0011362, OMIM 603689.
Tibial muscular dystrophy (TMD). Also called: Udd Distal Myopathy – Tibial Muscular Dystrophy; Tibial muscular dystrophy, tardive; UDD MYOPATHY. Identifiers: Orphanet 609, MedGen C1838244, MONDO:0010870, OMIM 600334.

Allele frequency attached by ClinVar (database versions not stated): ExAC 0.00619; gnomAD 0.01979 and 0.02109; TOPMed 0.02254; gnomAD exomes 0.00195 and 0.00477; 1000 Genomes Project 0.02396; 1000 Genomes Project 30x 0.02545; ESP Exome Variant Server 0.01898.
gnomAD v4.1: 6,010 of 1,613,698 alleles (0.37%); highest among the groups gnomAD compares: African/African-American, 7.1%; 182 homozygotes.

Submissions (18):

Labcorp Genetics (formerly Invitae), Labcorp
Classification: Benign for Dilated cardiomyopathy 1G; Autosomal recessive limb-girdle muscular dystrophy type 2J. Last evaluated: 2026-02-03. Review status: criteria provided, single submitter. Criteria: Invitae Variant Classification Sherloc (09022015). Collection method: clinical testing. Allele origin: germline.

ARUP Laboratories, Molecular Genetics and Genomics, ARUP Laboratories
Classification: Benign. Last evaluated: 2025-07-08. Review status: criteria provided, single submitter. Criteria: ARUP Molecular Germline Variant Investigation Process 2024. Collection method: clinical testing. Allele origin: germline.

Molecular Diagnostic Laboratory for Inherited Cardiovascular Disease, Montreal Heart Institute
Classification: Benign. Last evaluated: 2025-04-09. Review status: criteria provided, single submitter. Criteria: ACMG Guidelines, 2015. Collection method: clinical testing. Allele origin: germline. Affected: no.

Genome-Nilou Lab
Classification: Benign for Autosomal recessive limb-girdle muscular dystrophy type 2J. Last evaluated: 2021-09-10. Review status: criteria provided, single submitter. Criteria: ACMG Guidelines, 2015. Collection method: clinical testing. Allele origin: germline. Affected: no.

Genome-Nilou Lab
Classification: Benign for Myopathy, myofibrillar, 9, with early respiratory failure. Last evaluated: 2021-09-10. Review status: criteria provided, single submitter. Criteria: ACMG Guidelines, 2015. Collection method: clinical testing. Allele origin: germline. Affected: no.

Genome-Nilou Lab
Classification: Benign for Early-onset myopathy with fatal cardiomyopathy. Last evaluated: 2021-09-10. Review status: criteria provided, single submitter. Criteria: ACMG Guidelines, 2015. Collection method: clinical testing. Allele origin: germline. Affected: no.

Genome-Nilou Lab
Classification: Benign for Tibial muscular dystrophy. Last evaluated: 2021-09-10. Review status: criteria provided, single submitter. Criteria: ACMG Guidelines, 2015. Collection method: clinical testing. Allele origin: germline. Affected: no.

CHEO Genetics Diagnostic Laboratory, Children's Hospital of Eastern Ontario
Classification: Benign for Cardiomyopathy. Last evaluated: 2016-04-01. Review status: criteria provided, single submitter. Criteria: ACMG Guidelines, 2015. Collection method: clinical testing. Allele origin: germline. Study: Canadian Open Genetics Repository.

Ambry Genetics
Classification: Benign for Cardiovascular phenotype. Last evaluated: 2015-10-23. Review status: criteria provided, single submitter. Criteria: Ambry Variant Classification Scheme 2023. Collection method: clinical testing. Allele origin: germline.

Mayo Clinic Laboratories, Mayo Clinic
Classification: Benign. Last evaluated: 2015-07-02. Review status: criteria provided, single submitter. Criteria: ACMG Guidelines, 2015. Collection method: clinical testing. Allele origin: germline. Observed: 29 variant alleles.

Laboratory for Molecular Medicine, Mass General Brigham Personalized Medicine
Classification: Benign. Last evaluated: 2012-09-19. Review status: criteria provided, single submitter. Criteria: LMM Criteria. Collection method: clinical testing. Allele origin: germline. Observed: 27 variant alleles.
Comment: Pro3801Pro in exon 45B of TTN: This variant is not expected to have clinical sig nificance because it does not alter an amino acid residue and has been identifie d in 5.9% (221/3772) of African American chromosomes from a broad population by the NHLBI Exome Sequencing Project (dbSNP rs5 5895721).

GeneDx
Classification: Benign. Last evaluated: 2012-09-13. Review status: criteria provided, single submitter. Criteria: GeneDx Variant Classification (06012015). Collection method: clinical testing. Allele origin: germline. Affected: yes.
Comment: This variant is considered likely benign or benign based on one or more of the following criteria: it is a conservative change, it occurs at a poorly conserved position in the protein, it is predicted to be benign by multiple in silico algorithms, and/or has population frequency not consistent with disease.

Breakthrough Genomics
Classification: Benign. Review status: criteria provided, single submitter. Criteria: ACMG Guidelines, 2015. Collection method: not provided. Allele origin: germline. Inheritance: Autosomal recessive inheritance. Affected: yes.

PreventionGenetics, part of Exact Sciences
Classification: Benign for TTN-related condition. Last evaluated: 2019-03-12. Review status: no assertion criteria provided. Collection method: clinical testing. Allele origin: germline. Not counted in ClinVar's aggregate classification.
Comment: This variant is classified as benign based on ACMG/AMP sequence variant interpretation guidelines (Richards et al. 2015 PMID: 25741868, with internal and published modifications).

Clinical Genetics DNA and cytogenetics Diagnostics Lab, Erasmus MC, Erasmus Medical Center
Classification: Benign. Review status: no assertion criteria provided. Collection method: clinical testing. Allele origin: germline. Affected: yes. Study: VKGL Data-share Consensus. Not counted in ClinVar's aggregate classification.

Clinical Genetics, Academic Medical Center
Classification: Benign. Review status: no assertion criteria provided. Collection method: clinical testing. Allele origin: germline. Affected: yes. Study: VKGL Data-share Consensus. Not counted in ClinVar's aggregate classification.

Diagnostic Laboratory, Department of Genetics, University Medical Center Groningen
Classification: Likely benign. Review status: no assertion criteria provided. Collection method: clinical testing. Allele origin: germline. Affected: yes. Study: VKGL Data-share Consensus. Not counted in ClinVar's aggregate classification.

Joint Genome Diagnostic Labs from Nijmegen and Maastricht, Radboudumc and MUMC+
Classification: Benign. Review status: no assertion criteria provided. Collection method: clinical testing. Allele origin: germline. Affected: yes. Study: VKGL Data-share Consensus. Not counted in ClinVar's aggregate classification.

NM_001267550.2(TTN):c.12117C>T (p.Pro4039=)

Gene: TTN (titin; minus strand). Cytogenetic location: 2q31.2.
Variant type: single nucleotide variant.
Coding change: c.12117C>T on transcript NM_001267550.2 (MANE Select); coding-DNA position 12117, C replaced by T.
Protein change: p.Pro4039=; no amino-acid change (proline 4039 retained).
Molecular consequence: synonymous variant. On other transcripts: intron variant (1).
Genome position (GRCh38, 1-based): chr2:178,741,116, G>A on the plus strand (C>T on the coding strand, the complement: TTN is on the minus strand). VCF-style: chr2-178741116-G-A. GRCh37 (hg19) VCF-style: chr2-179605843-G-A.
Other names: p.P3801P:CCC>CCT; p.Pro3722=; c.11166C>T, p.Pro3722= (NM_001256850.1); c.11028C>T, p.Pro3676= (NM_003319.4); c.11403C>T, p.Pro3801= (NM_133432.3); c.11604C>T, p.Pro3868= (NM_133437.4); c.10361-2756C>T (NM_133378.4).
Identifiers: ClinVar variation 47816 (VCV000047816.48), dbSNP rs55895721, ClinGen allele CA284521.